The following is an entry in ClinVar:

ClinVar aggregate classification (germline): Likely benign (0 of 4 stars; one submission).

Conditions:
MYOM2-related disorder. Also called: MYOM2-related condition.

Allele frequency attached by ClinVar (database versions not stated): ESP Exome Variant Server 0.00015; ExAC 0.00024; gnomAD 0.00036; gnomAD exomes 0.00042; TOPMed 0.00057; 1000 Genomes Project 0.00060; 1000 Genomes Project 30x 0.00062.
gnomAD v4.1: 664 of 1,592,804 alleles (0.042%); highest among the groups gnomAD compares: Non-Finnish European, 0.051%; 1 homozygote.

Submission:

PreventionGenetics, part of Exact Sciences
Classification: Likely benign for MYOM2-related condition. Last evaluated: 2019-02-22. Review status: no assertion criteria provided. Collection method: clinical testing. Allele origin: germline.
Comment: This variant is classified as likely benign based on ACMG/AMP sequence variant interpretation guidelines (Richards et al. 2015 PMID: 25741868, with internal and published modifications).

NM_003970.4(MYOM2):c.263+6C>T

Gene: MYOM2 (myomesin 2; plus strand). Cytogenetic location: 8p23.3.
Variant type: single nucleotide variant.
Coding change: c.263+6C>T on transcript NM_003970.4 (MANE Select); 6 bases into the intron after coding-DNA position 263, C replaced by T.
Molecular consequence: intron variant.
Genome position (GRCh38, 1-based): chr8:2,052,319, C>T. VCF-style: chr8-2052319-C-T. GRCh37 (hg19) VCF-style: chr8-2000437-C-T.
Identifiers: ClinVar variation 3057963 (VCV003057963.2), dbSNP rs186736344, ClinGen allele CA170440018.